The following is an entry in ClinVar:

ClinVar aggregate classification (germline): Conflicting classifications of pathogenicity. Review status: criteria provided, conflicting classifications (1 of 4 stars). 2 submissions from 2 submitters: Pathogenic (1); Uncertain significance (1). Last evaluated 2026-01-11.

Conditions:
Primary ciliary dyskinesia. Also called: Ciliary dyskinesia. Identifiers: Orphanet 244, MedGen C0008780, MONDO:0016575, HP:0012265.

Submissions (2):

Labcorp Genetics (formerly Invitae), Labcorp
Classification: Pathogenic for Primary ciliary dyskinesia. Last evaluated: 2026-01-11. Review status: criteria provided, single submitter. Criteria: Invitae Variant Classification Sherloc (09022015). Collection method: clinical testing. Allele origin: germline.
Comment: This sequence change creates a premature translational stop signal (p.Val123Glyfs*28) in the DNAAF3 gene. It is expected to result in an absent or disrupted protein product. Loss-of-function variants in DNAAF3 are known to be pathogenic (PMID: 22387996). This variant is present in population databases (rs770306950, gnomAD 0.02%). This premature translational stop signal has been observed in individual(s) with primary ciliary dyskinesia (PMID: 31879361). ClinVar contains an entry for this variant (Variation ID: 861421). Algorithms developed to predict the effect of sequence changes on RNA splicing suggest that this variant may disrupt the consensus splice site. For these reasons, this variant has been classified as Pathogenic.

GeneDx
Classification: Uncertain significance. Last evaluated: 2025-06-10. Review status: criteria provided, single submitter. Criteria: GeneDx Variant Classification Process June 2021. Collection method: clinical testing. Allele origin: germline. Affected: yes.
Comment: Frameshift variant predicted to result in protein truncation or nonsense mediated decay in a gene for which loss of function is a known mechanism of disease; Has not been previously published as pathogenic or benign to our knowledge

Literature cited by the submitters: PubMed 22387996 (cited by Labcorp Genetics (formerly Invitae), Labcorp); PubMed 31879361 (cited by Labcorp Genetics (formerly Invitae), Labcorp).

NM_001256715.2(DNAAF3):c.164_165del (p.Val55fs)

Genes: DNAAF3 (dynein axonemal assembly factor 3; minus strand), DNAAF3-AS1 (DNAAF3 antisense RNA 1; plus strand). Cytogenetic location: 19q13.42.
Variant type: Microsatellite.
Coding change: c.164_165del on transcript NM_001256715.2 (MANE Select); coding-DNA positions 164 to 165, 2 bases deleted (TG; older notation c.164_165delTG).
Protein change: p.Val55fs; shifts the reading frame from valine 55.
Molecular consequence: frameshift variant. On other transcripts: 5 prime UTR variant (1).
Genome position (GRCh38, 1-based): chr19:55,165,921-55,165,922, CA deleted on the plus strand (TG on the coding strand, the reverse complement: DNAAF3 is on the minus strand); deleting any 2 consecutive bases within chr19:55,165,921-55,165,924 gives the same sequence; the c. name uses the placement nearest the transcript's 3' end. VCF-style (leftmost placement, unchanged base first): chr19-55165920-CCA-C. GRCh37 (hg19) VCF-style: chr19-55677288-CCA-C.
Other names: c.368_369del, p.Val123fs (NM_001256714.1); c.-77TG[1] (NM_001256716.2); c.305_306del, p.Val102fs (NM_178837.4); short protein forms V123fs, V102fs, V55fs.
Identifiers: ClinVar variation 861421 (VCV000861421.3), dbSNP rs770306950, ClinGen allele CA9668224.
Genomic context (GRCh38, chr19:55,165,920, plus strand): 5'-TGAACCTCCTGCGAGGCCAGAACTTCGCTCGGGACAGGGTCCGCAGCAGGTGCCGTCCAT[CCA>C]CAGAGCCCAGAAGCAGCACATCTAGCTCGGGGTTGCTGTGCACTGTATCGGCCTGGGAGT-3'